The following is an entry in ClinVar:

NM_001042492.3(NF1):c.6262C>A (p.Leu2088Met)

Gene: NF1 (neurofibromin 1; plus strand). Cytogenetic location: 17q11.2.
Variant type: single nucleotide variant.
Coding change: c.6262C>A on transcript NM_001042492.3 (MANE Select); coding-DNA position 6262, C replaced by A.
Protein change: p.Leu2088Met; replaces leucine 2088 with methionine.
Molecular consequence: missense variant.
Genome position (GRCh38, 1-based): chr17:31,336,749, C>A. VCF-style: chr17-31336749-C-A. GRCh37 (hg19) VCF-style: chr17-29663767-C-A.
Other names: c.6199C>A, p.Leu2067Met (NM_000267.4); short protein forms L2088M, L2067M.
Identifiers: ClinVar variation 4615787 (VCV004615787.1).

ClinVar aggregate classification (germline): Uncertain significance (1 of 4 stars; one submission).

Conditions:
Cardiovascular phenotype. Identifiers: MedGen CN230736.
Hereditary cancer-predisposing syndrome. Also called: Neoplastic Syndromes, Hereditary; Tumor predisposition; Hereditary Cancer Syndrome; Hereditary neoplastic syndrome. Identifiers: Orphanet 140162, MedGen C0027672, MeSH D009386, MONDO:0015356.

Submission:

Ambry Genetics
Classification: Uncertain significance for Cardiovascular phenotype; Hereditary cancer-predisposing syndrome. Last evaluated: 2025-11-06. Review status: criteria provided, single submitter. Criteria: Ambry Variant Classification Scheme 2023. Collection method: clinical testing. Allele origin: germline.
Comment: The p.L2067M variant (also known as c.6199C>A), located in coding exon 41 of the NF1 gene, results from a C to A substitution at nucleotide position 6199. The leucine at codon 2067 is replaced by methionine, an amino acid with highly similar properties. This amino acid position is conserved. In addition, this alteration is predicted to be deleterious by in silico analysis. Based on the available evidence, the clinical significance of this variant remains unclear.